The following is an entry in ClinVar:

NM_007192.4(SUPT16H):c.1835C>T (p.Thr612Ile)

Gene: SUPT16H (SPT16 homolog, facilitates chromatin remodeling subunit; minus strand). Cytogenetic location: 14q11.2.
Variant type: single nucleotide variant.
Coding change: c.1835C>T on transcript NM_007192.4 (MANE Select); coding-DNA position 1835, C replaced by T.
Protein change: p.Thr612Ile; replaces threonine 612 with isoleucine.
Molecular consequence: missense variant.
Genome position (GRCh38, 1-based): chr14:21,361,172, G>A on the plus strand (C>T on the coding strand, the complement: SUPT16H is on the minus strand). VCF-style: chr14-21361172-G-A. GRCh37 (hg19) VCF-style: chr14-21829331-G-A.
Other names: short protein forms T612I.
Identifiers: ClinVar variation 1708725 (VCV001708725.2), dbSNP rs1886543421, ClinGen allele CA388864178.

ClinVar aggregate classification (germline): Uncertain significance (1 of 4 stars; one submission).

Allele frequency attached by ClinVar (database versions not stated): TOPMed below 0.00001.
gnomAD v4.1: 6 of 1,614,100 alleles (0.00037%); highest among the groups gnomAD compares: Non-Finnish European, 0.00051%; no homozygotes.

Submission:

GeneDx
Classification: Uncertain significance. Last evaluated: 2022-04-06. Review status: criteria provided, single submitter. Criteria: GeneDx Variant Classification Process June 2021. Collection method: clinical testing. Allele origin: germline. Affected: yes.
Comment: Not observed at significant frequency in large population cohorts (gnomAD); In silico analysis supports that this missense variant does not alter protein structure/function; Has not been previously published as pathogenic or benign to our knowledge